The following is an entry in ClinVar:

NM_013275.6(ANKRD11):c.2194T>G (p.Phe732Val)

Gene: ANKRD11 (ankyrin repeat domain containing 11; minus strand). Cytogenetic location: 16q24.3.
Variant type: single nucleotide variant.
Coding change: c.2194T>G on transcript NM_013275.6 (MANE Select); coding-DNA position 2194, T replaced by G.
Protein change: p.Phe732Val; replaces phenylalanine 732 with valine.
Molecular consequence: missense variant.
Genome position (GRCh38, 1-based): chr16:89,284,348, A>C on the plus strand (T>G on the coding strand, the complement: ANKRD11 is on the minus strand). VCF-style: chr16-89284348-A-C. GRCh37 (hg19) VCF-style: chr16-89350756-A-C.
Other names: c.2194T>G, p.Phe732Val (NM_001256182.2, NM_001256183.2); short protein forms F732V.
Identifiers: ClinVar variation 2637180 (VCV002637180.1), dbSNP rs377553429, ClinGen allele CA397162971.
Genomic context (GRCh38, chr16:89,284,348, plus strand): 5'-ACTTTTCCTTCAGCGATCTCTCCTTTTCTGCTTTATTCGAACGGTCTTTCTCTTCTCGGA[A>C]AGACCTGCTGATGTCTTTGTTTGTGTCTTTGATTCTCTTCAGTGATTTTTCATCTTTAAA-3'
Protein context (NP_037407.4, residues 722-742): KDTNKDISRS[Phe732Val]REEKDRSNKA

ClinVar aggregate classification (germline): Uncertain significance (1 of 4 stars; one submission).

Conditions:
ANKRD11-related disorder. Also called: ANKRD11-related condition.

Submission:

PreventionGenetics, part of Exact Sciences
Classification: Uncertain significance for ANKRD11-related condition. Last evaluated: 2022-09-20. Review status: criteria provided, single submitter. Criteria: ACMG Guidelines, 2015. Collection method: clinical testing. Allele origin: germline.
Comment: The ANKRD11 c.2194T>G variant is predicted to result in the amino acid substitution p.Phe732Val. To our knowledge, this variant has not been reported in the literature or in a large population database, indicating this variant is rare. At this time, the clinical significance of this variant is uncertain due to the absence of conclusive functional and genetic evidence.